The following is an entry in ClinVar:

ClinVar aggregate classification (germline): Pathogenic. Review status: criteria provided, multiple submitters, no conflicts (2 of 4 stars). 2 submissions from 2 submitters: Pathogenic (2). Last evaluated 2026-08-19.

Conditions:
Trichohepatoenteric syndrome 1 (THES1). Also called: DIARRHEA, FATAL INFANTILE, WITH TRICHORRHEXIS NODOSA. Identifiers: Orphanet 84064, MedGen C4551982, MONDO:0024541, OMIM 222470.

gnomAD v4.1: 19 of 1,613,680 alleles (0.0012%); highest among the groups gnomAD compares: Middle Eastern, 0.016%; no homozygotes.

Submissions (3):

Molecular Genetics Laboratory, CHU Lille
Classification: Pathogenic for Trichohepatoenteric syndrome 1. Last evaluated: 2026-08-19. Review status: criteria provided, single submitter. Criteria: ACMG Guidelines, 2015. Collection method: clinical testing. Allele origin: germline. Affected: yes.
Comment: This variant is classified as pathogenic according to the recommendation of ACMG/AMP guideline.

Labcorp Genetics (formerly Invitae), Labcorp
Classification: Pathogenic. Last evaluated: 2023-09-27. Review status: criteria provided, single submitter. Criteria: Invitae Variant Classification Sherloc (09022015). Collection method: clinical testing. Allele origin: germline.
Comment: For these reasons, this variant has been classified as Pathogenic. Algorithms developed to predict the effect of sequence changes on RNA splicing suggest that this variant may create or strengthen a splice site. ClinVar contains an entry for this variant (Variation ID: 1459058). This premature translational stop signal has been observed in individual(s) with trichohepatoenteric syndrome (PMID: 29527791, 29868001). This variant is present in population databases (rs768215813, gnomAD 0.006%). This sequence change creates a premature translational stop signal (p.Arg570*) in the TTC37 gene. It is expected to result in an absent or disrupted protein product. Loss-of-function variants in TTC37 are known to be pathogenic (PMID: 20176027, 21120949).

Dr. Peter K. Rogan Lab, Western University
No classification provided (evidence only). Condition: Malignant tumor of urinary bladder. Review status: no classification provided. Collection method: in vitro. Allele origin: not applicable. Functional consequence: retained intron. Not counted in ClinVar's aggregate classification.

Literature cited by the submitters: PubMed 29527791 (cited by Labcorp Genetics (formerly Invitae), Labcorp); PubMed 29868001 (cited by Labcorp Genetics (formerly Invitae), Labcorp); PubMed 20176027 (cited by Labcorp Genetics (formerly Invitae), Labcorp); PubMed 21120949 (cited by Labcorp Genetics (formerly Invitae), Labcorp).

NM_014639.4(SKIC3):c.1708C>T (p.Arg570Ter)

Gene: SKIC3 (SKI3 subunit of superkiller complex; minus strand). Cytogenetic location: 5q15.
Variant type: single nucleotide variant.
Coding change: c.1708C>T on transcript NM_014639.4 (MANE Select); coding-DNA position 1708, C replaced by T.
Protein change: p.Arg570Ter; replaces arginine 570 with a stop codon.
Molecular consequence: nonsense.
Genome position (GRCh38, 1-based): chr5:95,523,251, G>A on the plus strand (C>T on the coding strand, the complement: SKIC3 is on the minus strand). VCF-style: chr5-95523251-G-A. GRCh37 (hg19) VCF-style: chr5-94858955-G-A.
Other names: c.1708C>T (NM_014639.3); short protein forms R570*.
Identifiers: ClinVar variation 1459058 (VCV001459058.8), dbSNP rs768215813, ClinGen allele CA3347267.
Genomic context (GRCh38, chr5:95,523,251, plus strand): 5'-AGGTGCCTTACTCAGCCACTGCTTGAGAATGCTGACCAGCTTTCAAATAGTATAGTCCTC[G>A]CCTAAGCCAGGCCCATTTTGCCGTTCCAGCACTTGCCTTTTGAGTTACTGTTGTTAGGAT-3'